The following is an entry in ClinVar:

NM_170606.3(KMT2C):c.13187C>T (p.Pro4396Leu)

Gene: KMT2C (lysine methyltransferase 2C; minus strand). Cytogenetic location: 7q36.1.
Variant type: single nucleotide variant.
Coding change: c.13187C>T on transcript NM_170606.3 (MANE Select); coding-DNA position 13187, C replaced by T.
Protein change: p.Pro4396Leu; replaces proline 4396 with leucine.
Molecular consequence: missense variant.
Genome position (GRCh38, 1-based): chr7:152,148,740, G>A on the plus strand (C>T on the coding strand, the complement: KMT2C is on the minus strand). VCF-style: chr7-152148740-G-A. GRCh37 (hg19) VCF-style: chr7-151845825-G-A.
Other names: short protein forms P4396L.
Identifiers: ClinVar variation 450048 (VCV000450048.3), dbSNP rs1554456419, ClinGen allele CA370092894.

ClinVar aggregate classification (germline): Uncertain significance (1 of 4 stars; one submission).

Submission:

GeneDx
Classification: Uncertain significance. Last evaluated: 2021-05-18. Review status: criteria provided, single submitter. Criteria: GeneDx Variant Classification Process June 2021. Collection method: clinical testing. Allele origin: germline. Affected: yes.
Comment: Not observed in large population cohorts (Lek et al., 2016); In silico analysis supports that this missense variant has a deleterious effect on protein structure/function; Has not been previously published as pathogenic or benign to our knowledge